The following is an entry in ClinVar:

ClinVar aggregate classification (germline): Pathogenic/Likely pathogenic. Review status: criteria provided, multiple submitters, no conflicts (2 of 4 stars). 3 submissions from 3 submitters: Pathogenic (1); Likely pathogenic (2). Last evaluated 2025-10-13.

Conditions:
Pulmonary hypertension, neonatal, susceptibility to (PHN). Identifiers: MedGen C3714958, MONDO:0014151, OMIM 615371.
Congenital hyperammonemia, type I. Also called: Carbamoyl-phosphate synthase I deficiency; CPS I DEFICIENCY; Carbamoyl phosphate synthetase I deficiency disease; Carbamoyl phosphate synthetase 1 deficiency; Hyperammonemia due to carbamoyl phosphate synthetase 1 deficiency; CPS 1 deficiency. Identifiers: Orphanet 147, MedGen C4082171, MONDO:0009376, OMIM 237300.

Submissions (3):

Natera, Inc.
Classification: Likely pathogenic for Carbamoyl-phosphate synthase I deficiency. Last evaluated: 2025-10-13. Review status: criteria provided, single submitter. Criteria: Natera Variant Classification Schema (03/2026). Collection method: clinical testing. Allele origin: germline.
Comment: The c.1941_1944delCTGT variant in CPS1 is a frameshift variant predicted to shift the reading frame beginning at codon 648 and leads to a stop codon 32 codons downstream. This variant is expected to result in nonsense mediated decay, truncation, or a dysfunctional protein product. This variant is rare in the general population with a frequency below the threshold expected for the associated phenotype(s). Given the available evidence, this variant is classified as Likely Pathogenic.

Labcorp Genetics (formerly Invitae), Labcorp
Classification: Pathogenic for Congenital hyperammonemia, type I. Last evaluated: 2024-03-10. Review status: criteria provided, single submitter. Criteria: Invitae Variant Classification Sherloc (09022015). Collection method: clinical testing. Allele origin: germline.
Comment: This sequence change creates a premature translational stop signal (p.Cys648Thrfs*32) in the CPS1 gene. It is expected to result in an absent or disrupted protein product. Loss-of-function variants in CPS1 are known to be pathogenic (PMID: 21120950). This variant is not present in population databases (gnomAD no frequency). This variant has not been reported in the literature in individuals affected with CPS1-related conditions. For these reasons, this variant has been classified as Pathogenic.

Baylor Genetics
Classification: Likely pathogenic for Pulmonary hypertension, neonatal, susceptibility to. Last evaluated: 2022-09-18. Review status: criteria provided, single submitter. Criteria: ACMG Guidelines, 2015. Collection method: clinical testing. Allele origin: unknown.

Literature cited by the submitters: PubMed 21120950 (cited by Labcorp Genetics (formerly Invitae), Labcorp).

NM_001875.5(CPS1):c.1941_1944del (p.Cys648fs)

Gene: CPS1 (carbamoyl-phosphate synthase 1; plus strand). Cytogenetic location: 2q34.
Variant type: Microsatellite.
Coding change: c.1941_1944del on transcript NM_001875.5 (MANE Select); coding-DNA positions 1941 to 1944, 4 bases deleted (CTGT; older notation c.1941_1944delCTGT).
Protein change: p.Cys648fs; shifts the reading frame from cysteine 648.
Molecular consequence: frameshift variant. On other transcripts: non-coding transcript variant (2).
Genome position (GRCh38, 1-based): chr2:210,605,206-210,605,209, CTGT deleted; deleting any 4 consecutive bases within chr2:210,605,202-210,605,209 gives the same sequence; the c. name uses the placement nearest the transcript's 3' end. VCF-style (leftmost placement, unchanged base first): chr2-210605201-ACTGT-A. GRCh37 (hg19) VCF-style: chr2-211469925-ACTGT-A.
Other names: c.1941_1944delCTGT (NM_001875.4); c.1941_1944del, p.Cys648fs (NM_001122633.3, NM_001369257.1); c.1974_1977del, p.Cys659fs (NM_001369256.1); short protein forms C648fs, C659fs.
Identifiers: ClinVar variation 2680907 (VCV002680907.5), dbSNP rs1182802068, ClinGen allele CA764151133.